The following is an entry in ClinVar:

NM_002474.3(MYH11):c.3227C>T (p.Ala1076Val)

Gene: MYH11 (myosin heavy chain 11; minus strand). Cytogenetic location: 16p13.11.
Variant type: single nucleotide variant.
Coding change: c.3227C>T on transcript NM_002474.3 (MANE Select); coding-DNA position 3227, C replaced by T.
Protein change: p.Ala1076Val; replaces alanine 1076 with valine.
Molecular consequence: missense variant.
Genome position (GRCh38, 1-based): chr16:15,737,515, G>A on the plus strand (C>T on the coding strand, the complement: MYH11 is on the minus strand). VCF-style: chr16-15737515-G-A. GRCh37 (hg19) VCF-style: chr16-15831372-G-A.
Other names: c.3248C>T, p.Ala1083Val (NM_001040113.2, NM_001040114.2); c.3227C>T, p.Ala1076Val (NM_022844.3); short protein forms A1083V, A1076V.
Identifiers: ClinVar variation 534145 (VCV000534145.51), dbSNP rs371205331, ClinGen allele CA7922058.

ClinVar aggregate classification (germline): Uncertain significance. Review status: criteria provided, multiple submitters, no conflicts (2 of 4 stars). 6 submissions from 6 submitters: Uncertain significance (6). Last evaluated 2025-03-06.

Conditions:
Aortic aneurysm, familial thoracic 4 (AAT4). Also called: AORTIC ANEURYSM/AORTIC DISSECTION AND PATENT DUCTUS ARTERIOSUS. Identifiers: MedGen C1851504, MONDO:0007568, OMIM 132900.
Visceral myopathy 2. Identifiers: MedGen C5543466, MONDO:0859157, OMIM 619350.
Megacystis-microcolon-intestinal hypoperistalsis syndrome 2. Identifiers: MedGen C5543476, MONDO:0025708, OMIM 619351.
Familial thoracic aortic aneurysm and aortic dissection (TAAD). Also called: Thoracic aortic aneurysms and dissections. Identifiers: Orphanet 91387, MedGen C4707243, MONDO:0019625.

Allele frequency attached by ClinVar (database versions not stated): gnomAD exomes 0.00001; ExAC 0.00002; TOPMed 0.00002; gnomAD 0.00003 and 0.00004; ESP Exome Variant Server 0.00015.
gnomAD v4.1: 26 of 1,613,822 alleles (0.0016%); highest among the groups gnomAD compares: African/African-American, 0.008%; no homozygotes.

Submissions (6):

Labcorp Genetics (formerly Invitae), Labcorp
Classification: Uncertain significance for Aortic aneurysm, familial thoracic 4. Last evaluated: 2025-03-06. Review status: criteria provided, single submitter. Criteria: Invitae Variant Classification Sherloc (09022015). Collection method: clinical testing. Allele origin: germline.
Comment: This sequence change replaces alanine, which is neutral and non-polar, with valine, which is neutral and non-polar, at codon 1083 of the MYH11 protein (p.Ala1083Val). This variant is present in population databases (rs371205331, gnomAD 0.02%). This variant has not been reported in the literature in individuals affected with MYH11-related conditions. ClinVar contains an entry for this variant (Variation ID: 534145). Invitae Evidence Modeling of protein sequence and biophysical properties (such as structural, functional, and spatial information, amino acid conservation, physicochemical variation, residue mobility, and thermodynamic stability) indicates that this missense variant is not expected to disrupt MYH11 protein function with a negative predictive value of 95%. In summary, the available evidence is currently insufficient to determine the role of this variant in disease. Therefore, it has been classified as a Variant of Uncertain Significance.

Blueprint Genetics
Classification: Uncertain significance. Last evaluated: 2024-11-26. Review status: criteria provided, single submitter. Criteria: ACMG Guidelines, 2015. Collection method: clinical testing. Allele origin: germline.

Color Diagnostics, LLC DBA Color Health
Classification: Uncertain significance for Familial thoracic aortic aneurysm and aortic dissection. Last evaluated: 2024-03-06. Review status: criteria provided, single submitter. Criteria: ACMG Guidelines, 2015. Collection method: clinical testing. Allele origin: germline.
Comment: This missense variant replaces alanine with valine at codon 1083 of the MYH11 protein. Computational prediction is inconclusive regarding the impact of this variant on protein structure and function (internally defined REVEL score threshold 0.5 < inconclusive < 0.7, PMID: 27666373). To our knowledge, functional studies have not been reported for this variant. This variant has not been reported in individuals affected with MYH11-related disorders in the literature. This variant has been identified in 4/282718 chromosomes in the general population by the Genome Aggregation Database (gnomAD). The available evidence is insufficient to determine the role of this variant in disease conclusively. Therefore, this variant is classified as a Variant of Uncertain Significance.

CeGaT Center for Human Genetics Tuebingen
Classification: Uncertain significance. Last evaluated: 2022-04-01. Review status: criteria provided, single submitter. Criteria: CeGaT Center For Human Genetics Tuebingen Variant Classification Criteria Version 2. Collection method: clinical testing. Allele origin: germline. Affected: yes. Observed: 1 variant allele.

Fulgent Genetics
Classification: Uncertain significance for Aortic aneurysm, familial thoracic 4; Visceral myopathy 2; Megacystis-microcolon-intestinal hypoperistalsis syndrome 2. Last evaluated: 2021-10-12. Review status: criteria provided, single submitter. Criteria: ACMG Guidelines, 2015. Collection method: clinical testing. Allele origin: unknown.

Ambry Genetics
Classification: Uncertain significance for Familial thoracic aortic aneurysm and aortic dissection. Last evaluated: 2021-07-27. Review status: criteria provided, single submitter. Criteria: Ambry Variant Classification Scheme 2023. Collection method: clinical testing. Allele origin: germline.
Comment: The p.A1076V variant (also known as c.3227C>T), located in coding exon 24 of the MYH11 gene, results from a C to T substitution at nucleotide position 3227. The alanine at codon 1076 is replaced by valine, an amino acid with similar properties. This amino acid position is conserved. In addition, the in silico prediction for this alteration is inconclusive. Since supporting evidence is limited at this time, the clinical significance of this alteration remains unclear.